The following is an entry in ClinVar:

NM_001384732.1(CPLANE1):c.50A>C (p.Lys17Thr)

Gene: CPLANE1 (ciliogenesis and planar polarity effector complex subunit 1; minus strand). Cytogenetic location: 5p13.2.
Variant type: single nucleotide variant.
Coding change: c.50A>C on transcript NM_001384732.1 (MANE Select); coding-DNA position 50, A replaced by C.
Protein change: p.Lys17Thr; replaces lysine 17 with threonine.
Molecular consequence: missense variant.
Genome position (GRCh38, 1-based): chr5:37,247,649, T>G on the plus strand (A>C on the coding strand, the complement: CPLANE1 is on the minus strand). VCF-style: chr5-37247649-T-G. GRCh37 (hg19) VCF-style: chr5-37247751-T-G.
Other names: c.50A>C, p.Lys17Thr (NM_023073.4); short protein forms K17T.
Identifiers: ClinVar variation 5040111 (VCV005040111.1).

ClinVar aggregate classification (germline): Uncertain significance (1 of 4 stars; one submission).

Submission:

CeGaT Center for Human Genetics Tuebingen
Classification: Uncertain significance. Last evaluated: 2026-07-01. Review status: criteria provided, single submitter. Criteria: CeGaT Center For Human Genetics Tuebingen Variant Classification Criteria Version 2. Collection method: clinical testing. Allele origin: germline. Affected: yes. Observed: 1 variant allele.
Comment: CPLANE1: PM2, BP4